The following is an entry in ClinVar:

NM_153704.6(TMEM67):c.1559C>T (p.Ala520Val)

Gene: TMEM67 (transmembrane protein 67; plus strand). Cytogenetic location: 8q22.1.
Variant type: single nucleotide variant.
Coding change: c.1559C>T on transcript NM_153704.6 (MANE Select); coding-DNA position 1559, C replaced by T.
Protein change: p.Ala520Val; replaces alanine 520 with valine.
Molecular consequence: missense variant. On other transcripts: non-coding transcript variant (1).
Genome position (GRCh38, 1-based): chr8:93,791,303, C>T. VCF-style: chr8-93791303-C-T. GRCh37 (hg19) VCF-style: chr8-94803531-C-T.
Other names: c.1316C>T, p.Ala439Val (NM_001142301.1); short protein forms A439V, A520V.
Identifiers: ClinVar variation 1376523 (VCV001376523.6), dbSNP rs2130711278, ClinGen allele CA371690955.

ClinVar aggregate classification (germline): Uncertain significance (1 of 4 stars; one submission).

Conditions:
Joubert syndrome. Also called: CEREBELLOPARENCHYMAL DISORDER IV; JOUBERT-BOLTSHAUSER SYNDROME; Familial aplasia of the vermis. Identifiers: Orphanet 475, MedGen C5979921, MONDO:0018772.
Meckel-Gruber syndrome. Also called: DYSENCEPHALIA SPLANCHNOCYSTICA; GRUBER SYNDROME; Dysencephalia splachnocystica. Identifiers: Orphanet 564, MedGen C0265215, MONDO:0018921.

gnomAD v4.1: 1 of 1,603,564 alleles (0.000062%); highest among the groups gnomAD compares: Non-Finnish European, 0.000085%; no homozygotes.

Submission:

Labcorp Genetics (formerly Invitae), Labcorp
Classification: Uncertain significance for Joubert syndrome; Meckel-Gruber syndrome. Last evaluated: 2022-03-02. Review status: criteria provided, single submitter. Criteria: Invitae Variant Classification Sherloc (09022015). Collection method: clinical testing. Allele origin: germline.
Comment: In summary, the available evidence is currently insufficient to determine the role of this variant in disease. Therefore, it has been classified as a Variant of Uncertain Significance. Algorithms developed to predict the effect of sequence changes on RNA splicing suggest that this variant may create or strengthen a splice site. Advanced modeling of protein sequence and biophysical properties (such as structural, functional, and spatial information, amino acid conservation, physicochemical variation, residue mobility, and thermodynamic stability) performed at Invitae indicates that this missense variant is expected to disrupt TMEM67 protein function. This variant has not been reported in the literature in individuals affected with TMEM67-related conditions. This variant is not present in population databases (gnomAD no frequency). This sequence change replaces alanine, which is neutral and non-polar, with valine, which is neutral and non-polar, at codon 520 of the TMEM67 protein (p.Ala520Val).